The following is an entry in ClinVar:

NM_001943.5(DSG2):c.1080T>A (p.Phe360Leu)

Gene: DSG2 (desmoglein 2; plus strand). Cytogenetic location: 18q12.1.
Variant type: single nucleotide variant.
Coding change: c.1080T>A on transcript NM_001943.5 (MANE Select); coding-DNA position 1080, T replaced by A.
Protein change: p.Phe360Leu; replaces phenylalanine 360 with leucine.
Molecular consequence: missense variant.
Genome position (GRCh38, 1-based): chr18:31,531,052, T>A. VCF-style: chr18-31531052-T-A. GRCh37 (hg19) VCF-style: chr18-29111015-T-A.
Other names: short protein forms F360L.
Identifiers: ClinVar variation 2775218 (VCV002775218.2), dbSNP rs2510915290, ClinGen allele CA402138362.

ClinVar aggregate classification (germline): Uncertain significance (1 of 4 stars; one submission).

Conditions:
Cardiomyopathy (CMYO). Also called: Cardiomyopathies. Identifiers: Orphanet 167848, MedGen C0878544, MONDO:0004994, HP:0001638. Inheritance: Various modes of inheritance.

Submission:

Color Diagnostics, LLC DBA Color Health
Classification: Uncertain significance for Cardiomyopathy. Last evaluated: 2024-03-06. Review status: criteria provided, single submitter. Criteria: ACMG Guidelines, 2015. Collection method: clinical testing. Allele origin: germline.
Comment: This missense variant replaces phenylalanine with leucine at codon 360 of the DSG2 protein. Computational prediction suggests that this variant may not impact protein structure and function (internally defined REVEL score threshold <= 0.5, PMID: 27666373). To our knowledge, functional studies have not been reported for this variant. This variant has not been reported in individuals affected with cardiovascular disorders in the literature. This variant has not been identified in the general population by the Genome Aggregation Database (gnomAD). The available evidence is insufficient to determine the role of this variant in disease conclusively. Therefore, this variant is classified as a Variant of Uncertain Significance.